The following is an entry in ClinVar:

ClinVar aggregate classification (germline): Uncertain significance (1 of 4 stars; one submission).

Conditions:
Cardiovascular phenotype. Identifiers: MedGen CN230736.

Submission:

Ambry Genetics
Classification: Uncertain significance for Cardiovascular phenotype. Last evaluated: 2026-03-02. Review status: criteria provided, single submitter. Criteria: Ambry Variant Classification Scheme 2023. Collection method: clinical testing. Allele origin: germline.
Comment: The p.Q665* variant (also known as c.1993C>T), located in coding exon 8 of the AKAP9 gene, results from a C to T substitution at nucleotide position 1993. This changes the amino acid from a glutamine to a stop codon within coding exon 8. The evidence for this gene-disease relationship is limited; therefore, the clinical significance of this variant is unclear.

NM_005751.5(AKAP9):c.1993C>T (p.Gln665Ter)

Gene: AKAP9 (A-kinase anchoring protein 9; plus strand). Cytogenetic location: 7q21.2.
Variant type: single nucleotide variant.
Coding change: c.1993C>T on transcript NM_005751.5 (MANE Select); coding-DNA position 1993, C replaced by T.
Protein change: p.Gln665Ter; replaces glutamine 665 with a stop codon.
Molecular consequence: nonsense.
Genome position (GRCh38, 1-based): chr7:92,001,910, C>T. VCF-style: chr7-92001910-C-T. GRCh37 (hg19) VCF-style: chr7-91631224-C-T.
Other names: c.1993C>T, p.Gln665Ter (NM_147185.3); short protein forms Q665*.
Identifiers: ClinVar variation 4845177 (VCV004845177.1).